The following is an entry in ClinVar:

ClinVar aggregate classification (germline): Benign. Review status: criteria provided, multiple submitters, no conflicts (2 of 4 stars). 3 submissions from 3 submitters: Benign (2). 1 of the submissions does not count toward it. Last evaluated 2026-02-04.

Allele frequency attached by ClinVar (database versions not stated): gnomAD exomes 0.01727 and 0.02102; ExAC 0.01996; ESP Exome Variant Server 0.02785; gnomAD 0.02958 and 0.02711; 1000 Genomes Project 30x 0.01858; 1000 Genomes Project 0.01857; TOPMed 0.02827.
gnomAD v4.1: 29,886 of 1,613,586 alleles (1.9%); highest among the groups gnomAD compares: Middle Eastern, 4.3%; 437 homozygotes.

Submissions (3):

Labcorp Genetics (formerly Invitae), Labcorp
Classification: Benign. Last evaluated: 2026-02-04. Review status: criteria provided, single submitter. Criteria: Invitae Variant Classification Sherloc (09022015). Collection method: clinical testing. Allele origin: germline.

Breakthrough Genomics
Classification: Benign. Review status: criteria provided, single submitter. Criteria: ACMG Guidelines, 2015. Collection method: not provided. Allele origin: germline. Inheritance: Autosomal dominant inheritance. Affected: yes.

ITMI
No classification provided. Condition: AllHighlyPenetrant. Last evaluated: 2013-09-19. Review status: no classification provided. Collection method: reference population. Allele origin: germline. Not counted in ClinVar's aggregate classification.
Comment: Please see associated publication for description of ethnicities

Literature cited by the submitters: PubMed 24728327 (cited by ITMI).

NM_005157.6(ABL1):c.2915C>T (p.Ser972Leu)

Gene: ABL1 (ABL proto-oncogene 1, non-receptor tyrosine kinase; plus strand). Cytogenetic location: 9q34.12.
Variant type: single nucleotide variant.
Coding change: c.2915C>T on transcript NM_005157.6 (MANE Select); coding-DNA position 2915, C replaced by T.
Protein change: p.Ser972Leu; replaces serine 972 with leucine.
Molecular consequence: missense variant.
Genome position (GRCh38, 1-based): chr9:130,885,205, C>T. VCF-style: chr9-130885205-C-T. GRCh37 (hg19) VCF-style: chr9-133760592-C-T.
Other names: c.2972C>T, p.Ser991Leu (NM_007313.3); short protein forms S972L, S991L.
Identifiers: ClinVar variation 133443 (VCV000133443.10), dbSNP rs2229067, ClinGen allele CA156539.